The following is an entry in ClinVar:

NM_002972.4(SBF1):c.3346A>G (p.Met1116Val)

Gene: SBF1 (SET binding factor 1; minus strand). Cytogenetic location: 22q13.33.
Variant type: single nucleotide variant.
Coding change: c.3346A>G on transcript NM_002972.4 (MANE Select); coding-DNA position 3346, A replaced by G.
Protein change: p.Met1116Val; replaces methionine 1116 with valine.
Molecular consequence: missense variant.
Genome position (GRCh38, 1-based): chr22:50,460,097, T>C on the plus strand (A>G on the coding strand, the complement: SBF1 is on the minus strand). VCF-style: chr22-50460097-T-C. GRCh37 (hg19) VCF-style: chr22-50898526-T-C.
Other names: c.3349A>G, p.Met1117Val (NM_001365819.1, NM_001410794.1); c.3346A>G, p.Met1116Val (NM_001410795.1, NM_197971.1); short protein forms M1117V, M1116V.
Identifiers: ClinVar variation 1973630 (VCV001973630.2), dbSNP rs768000601, ClinGen allele CA412205129.
Genomic context (GRCh38, chr22:50,460,097, plus strand): 5'-CCAGACCGAGGCGCTGGTAGTCGCGACAGCAAGCCCTTTCCACCAGGCTGCTCATGGTCA[T>C]GCGGTCGGAGGGCTTCAGGGCTGAGGACGGGGTCAGCGTGCTGGGCTCCAGCTCCTCCGA-3'
Protein context (NP_002963.2, residues 1106-1126): PSSALKPSDR[Met1116Val]TMSSLVERAC

ClinVar aggregate classification (germline): Uncertain significance (1 of 4 stars; one submission).

Submission:

Labcorp Genetics (formerly Invitae), Labcorp
Classification: Uncertain significance. Last evaluated: 2022-04-24. Review status: criteria provided, single submitter. Criteria: Invitae Variant Classification Sherloc (09022015). Collection method: clinical testing. Allele origin: germline.
Comment: This sequence change replaces methionine, which is neutral and non-polar, with valine, which is neutral and non-polar, at codon 1116 of the SBF1 protein (p.Met1116Val). This variant is present in population databases (no rsID available, gnomAD 0.003%). This variant has not been reported in the literature in individuals affected with SBF1-related conditions. Algorithms developed to predict the effect of missense changes on protein structure and function (SIFT, PolyPhen-2, Align-GVGD) all suggest that this variant is likely to be tolerated. In summary, the available evidence is currently insufficient to determine the role of this variant in disease. Therefore, it has been classified as a Variant of Uncertain Significance.